The following is an entry in ClinVar:

NM_019892.6(INPP5E):c.1754G>T (p.Arg585Leu)

Gene: INPP5E (inositol polyphosphate-5-phosphatase E; minus strand). Cytogenetic location: 9q34.3.
Variant type: single nucleotide variant.
Coding change: c.1754G>T on transcript NM_019892.6 (MANE Select); coding-DNA position 1754, G replaced by T.
Protein change: p.Arg585Leu; replaces arginine 585 with leucine.
Molecular consequence: missense variant.
Genome position (GRCh38, 1-based): chr9:136,430,325, C>A on the plus strand (G>T on the coding strand, the complement: INPP5E is on the minus strand). VCF-style: chr9-136430325-C-A. GRCh37 (hg19) VCF-style: chr9-139324777-C-A.
Other names: c.1751G>T, p.Arg584Leu (NM_001318502.2); short protein forms R584L, R585L.
Identifiers: ClinVar variation 3366663 (VCV003366663.1).
Genomic context (GRCh38, chr9:136,430,325, plus strand): 5'-GAGAACACTGACTTGTCTCGCCCCGGCCTCACTTTCACCCGGAAGAGGCCATACACAGGG[C>A]GGTGGTCGGACGTCTTGATCCCGGGGCAGGAAGAGTAGCTCACAGGACAGATGTCACCCT-3'
Protein context (NP_063945.2, residues 575-595): SCPGIKTSDH[Arg585Leu]PVYGLFRVKV

ClinVar aggregate classification (germline): Uncertain significance (1 of 4 stars; one submission).

Submission:

Women's Health and Genetics/Laboratory Corporation of America, LabCorp
Classification: Uncertain significance. Last evaluated: 2024-08-22. Review status: criteria provided, single submitter. Criteria: LabCorp Variant Classification Summary - May 2015. Collection method: clinical testing. Allele origin: germline.
Comment: Variant summary: INPP5E c.1754G>T (p.Arg585Leu) results in a non-conservative amino acid change located in the Inositol polyphosphate-related phosphatase domain (IPR000300) of the encoded protein sequence. Five of five in-silico tools predict a damaging effect of the variant on protein function. The variant was absent in 157454 control chromosomes. The available data on variant occurrences in the general population are insufficient to allow any conclusion about variant significance. To our knowledge, no occurrence of c.1754G>T in individuals affected with Joubert Syndrome And Related Disorders and no experimental evidence demonstrating its impact on protein function have been reported. No submitters have cited clinical-significance assessments for this variant to ClinVar. Based on the evidence outlined above, the variant was classified as uncertain significance.